The following is an entry in ClinVar:

NM_001320.7(CSNK2B):c.278G>T (p.Gly93Val)

Gene: CSNK2B (casein kinase 2 beta; plus strand). Cytogenetic location: 6p21.33.
Variant type: single nucleotide variant.
Coding change: c.278G>T on transcript NM_001320.7 (MANE Select); coding-DNA position 278, G replaced by T.
Protein change: p.Gly93Val; replaces glycine 93 with valine.
Molecular consequence: missense variant.
Genome position (GRCh38, 1-based): chr6:31,668,641, G>T. VCF-style: chr6-31668641-G-T. GRCh37 (hg19) VCF-style: chr6-31636418-G-T.
Other names: c.278G>T, p.Gly93Val (NM_001282385.2); short protein forms G93V.
Identifiers: ClinVar variation 2578995 (VCV002578995.25), dbSNP rs2536963059, ClinGen allele CA363473617.

ClinVar aggregate classification (germline): Uncertain significance (1 of 4 stars; one submission).

Submission:

CeGaT Center for Human Genetics Tuebingen
Classification: Uncertain significance. Last evaluated: 2025-06-01. Review status: criteria provided, single submitter. Criteria: CeGaT Center For Human Genetics Tuebingen Variant Classification Criteria Version 2. Collection method: clinical testing. Allele origin: germline. Affected: yes. Observed: 2 variant alleles.
Comment: CSNK2B: PM2, PP2, PP3